The following is an entry in ClinVar:

ClinVar aggregate classification (germline): Conflicting classifications of pathogenicity. Review status: criteria provided, conflicting classifications (1 of 4 stars). 5 submissions from 5 submitters: Uncertain significance (1); Benign (1); Likely benign (3). Last evaluated 2025-03-07.

Conditions:
Hereditary cancer-predisposing syndrome. Also called: Neoplastic Syndromes, Hereditary; Hereditary Cancer Syndrome; Tumor predisposition; Hereditary neoplastic syndrome. Identifiers: Orphanet 140162, MedGen C0027672, MeSH D009386, MONDO:0015356.
Familial adenomatous polyposis 1 (FAP1). Also called: FAMILIAL ADENOMATOUS POLYPOSIS 1, ATTENUATED; POLYPOSIS, ADENOMATOUS INTESTINAL. Identifiers: MedGen C2713442, MONDO:0021056, OMIM 175100. Disease mechanism: loss of function.

Allele frequency attached by ClinVar (database versions not stated): gnomAD exomes below 0.00001; TOPMed below 0.00001.
gnomAD v4.1: 1 of 1,614,226 alleles (0.000062%); highest among the groups gnomAD compares: African/African-American, 0.0013%; no homozygotes.

Submissions (5):

Ambry Genetics
Classification: Likely benign for Hereditary cancer-predisposing syndrome. Last evaluated: 2025-03-07. Review status: criteria provided, single submitter. Criteria: Ambry Variant Classification Scheme 2023. Collection method: clinical testing. Allele origin: germline.

Color Diagnostics, LLC DBA Color Health
Classification: Likely benign for Hereditary cancer-predisposing syndrome. Last evaluated: 2024-09-08. Review status: criteria provided, single submitter. Criteria: ACMG Guidelines, 2015. Collection method: clinical testing. Allele origin: germline.

Myriad Genetics, Inc.
Classification: Benign for Familial adenomatous polyposis 1. Last evaluated: 2024-03-25. Review status: criteria provided, single submitter. Criteria: Myriad Autosomal Dominant, Autosomal Recessive and X-Linked Classification Criteria (2023). Collection method: clinical testing. Allele origin: unknown.
Comment: This variant is considered benign. This variant is a silent/synonymous amino acid change and it is not expected to impact splicing.

Quest Diagnostics Nichols Institute San Juan Capistrano
Classification: Uncertain significance. Last evaluated: 2024-02-22. Review status: criteria provided, single submitter. Criteria: Quest Diagnostics criteria. Collection method: clinical testing. Allele origin: unknown.
Comment: The APC c.3951A>G (p.Glu1317=) synonymous variant has not been reported in individuals with APC-related conditions in the published literature. The frequency of this variant in the general population, 0.000004 (1/251178 chromosomes (Genome Aggregation Database)), is uninformative in the assessment of its pathogenicity. Analysis of this variant using software algorithms for the prediction of the effect of nucleotide changes on splicing yielded predictions that this variant does not affect APC mRNA splicing. Based on the available information, we are unable to determine the clinical significance of this variant.

Labcorp Genetics (formerly Invitae), Labcorp
Classification: Likely benign for Familial adenomatous polyposis 1. Last evaluated: 2022-04-19. Review status: criteria provided, single submitter. Criteria: Invitae Variant Classification Sherloc (09022015). Collection method: clinical testing. Allele origin: germline.

NM_000038.6(APC):c.3951A>G (p.Glu1317=)

Gene: APC (APC regulator of Wnt signaling pathway; plus strand). Cytogenetic location: 5q22.2.
Variant type: single nucleotide variant.
Coding change: c.3951A>G on transcript NM_000038.6 (MANE Select); coding-DNA position 3951, A replaced by G.
Protein change: p.Glu1317=; no amino-acid change (glutamic acid 1317 retained).
Molecular consequence: synonymous variant.
Genome position (GRCh38, 1-based): chr5:112,839,545, A>G. VCF-style: chr5-112839545-A-G. GRCh37 (hg19) VCF-style: chr5-112175242-A-G.
Other names: c.3951A>G (NM_000038.5); c.3951A>G, p.Glu1317= (NM_001127510.3, NM_001354895.2); c.3897A>G, p.Glu1299= (NM_001127511.3); c.4005A>G, p.Glu1335= (NM_001354896.2); c.3981A>G, p.Glu1327= (NM_001354897.2); c.3876A>G, p.Glu1292= (NM_001354898.2); c.3867A>G, p.Glu1289= (NM_001354899.2); c.3828A>G, p.Glu1276= (NM_001354900.2); and 6 more.
Identifiers: ClinVar variation 1132309 (VCV001132309.52), dbSNP rs1183026416, ClinGen allele CA445963942.
Genomic context (GRCh38, chr5:112,839,545, plus strand): 5'-TTCTGCTAATACCCTGCAAATAGCAGAAATAAAAGAAAAGATTGGAACTAGGTCAGCTGA[A>G]GATCCTGTGAGCGAAGTTCCAGCAGTGTCACAGCACCCTAGAACCAAATCCAGCAGACTG-3'
Protein context (NP_000029.2, residues 1307-1327): IKEKIGTRSA[Glu1317=]DPVSEVPAVS